The following is an entry in ClinVar:

ClinVar aggregate classification (germline): Uncertain significance. Review status: criteria provided, multiple submitters, no conflicts (2 of 4 stars). 2 submissions from 2 submitters: Uncertain significance (2). Last evaluated 2023-05-03.

Conditions:
Spermatogenic failure 18. Identifiers: MedGen C4539783, MONDO:0054615, OMIM 617576.
Ciliary dyskinesia, primary, 37 (CILD37). Also called: CILIARY DYSKINESIA, PRIMARY, 37, WITH OR WITHOUT SITUS INVERSUS. Identifiers: MedGen C4539798, MONDO:0033204, OMIM 617577.

Allele frequency attached by ClinVar (database versions not stated): gnomAD 0.00001 and 0.00003; gnomAD exomes 0.00001 and 0.00004; ExAC 0.00005; 1000 Genomes Project 30x 0.00031.
gnomAD v4.1: 20 of 1,583,096 alleles (0.0013%); highest among the groups gnomAD compares: East Asian, 0.044%; no homozygotes.

Submissions (2):

Ambry Genetics
Classification: Uncertain significance. Last evaluated: 2023-05-03. Review status: criteria provided, single submitter. Criteria: Ambry Variant Classification Scheme 2023. Collection method: clinical testing. Allele origin: germline.

Labcorp Genetics (formerly Invitae), Labcorp
Classification: Uncertain significance for Ciliary dyskinesia, primary, 37; Spermatogenic failure 18. Last evaluated: 2022-08-15. Review status: criteria provided, single submitter. Criteria: Invitae Variant Classification Sherloc (09022015). Collection method: clinical testing. Allele origin: germline.
Comment: This sequence change replaces glutamine, which is neutral and polar, with arginine, which is basic and polar, at codon 950 of the DNAH1 protein (p.Gln950Arg). This variant is present in population databases (rs747471047, gnomAD 0.05%). This variant has not been reported in the literature in individuals affected with DNAH1-related conditions. ClinVar contains an entry for this variant (Variation ID: 1513169). Algorithms developed to predict the effect of missense changes on protein structure and function (SIFT, PolyPhen-2, Align-GVGD) all suggest that this variant is likely to be tolerated. In summary, the available evidence is currently insufficient to determine the role of this variant in disease. Therefore, it has been classified as a Variant of Uncertain Significance.

NM_015512.5(DNAH1):c.2849A>G (p.Gln950Arg)

Gene: DNAH1 (dynein axonemal heavy chain 1; plus strand). Cytogenetic location: 3p21.1.
Variant type: single nucleotide variant.
Coding change: c.2849A>G on transcript NM_015512.5 (MANE Select); coding-DNA position 2849, A replaced by G.
Protein change: p.Gln950Arg; replaces glutamine 950 with arginine.
Molecular consequence: missense variant.
Genome position (GRCh38, 1-based): chr3:52,352,081, A>G. VCF-style: chr3-52352081-A-G. GRCh37 (hg19) VCF-style: chr3-52386097-A-G.
Other names: c.2849A>G (NM_015512.4); short protein forms Q950R.
Identifiers: ClinVar variation 1513169 (VCV001513169.7), dbSNP rs747471047, ClinGen allele CA2433401.